The following is an entry in ClinVar:

NM_001098426.2(SMARCD2):c.568-10C>T

Gene: SMARCD2 (SWI/SNF related BAF chromatin remodeling complex subunit D2; minus strand). Cytogenetic location: 17q23.3.
Variant type: single nucleotide variant.
Coding change: c.568-10C>T on transcript NM_001098426.2 (MANE Select); 10 bases into the intron before coding-DNA position 568, C replaced by T.
Molecular consequence: intron variant.
Genome position (GRCh38, 1-based): chr17:63,835,577, G>A on the plus strand (C>T on the coding strand, the complement: SMARCD2 is on the minus strand). VCF-style: chr17-63835577-G-A. GRCh37 (hg19) VCF-style: chr17-61912937-G-A.
Other names: c.343-10C>T (NM_001330439.1); c.424-10C>T (NM_001330440.2); c.568-10C>T (NM_001098426.1).
Identifiers: ClinVar variation 2065074 (VCV002065074.6), dbSNP rs368864284, ClinGen allele CA8706440.

ClinVar aggregate classification (germline): Likely benign. Review status: criteria provided, single submitter (1 of 4 stars). 2 submissions from 2 submitters: Likely benign (1). 1 of the submissions does not count toward it. Last evaluated 2025-09-17.

Conditions:
SMARCD2-related disorder. Also called: SMARCD2-related condition.

Allele frequency attached by ClinVar (database versions not stated): ExAC 0.00005; gnomAD exomes 0.00007; ESP Exome Variant Server 0.00008; gnomAD 0.00009; TOPMed 0.00009.

Submissions (2):

Labcorp Genetics (formerly Invitae), Labcorp
Classification: Likely benign. Last evaluated: 2025-09-17. Review status: criteria provided, single submitter. Criteria: Invitae Variant Classification Sherloc (09022015). Collection method: clinical testing. Allele origin: germline.

PreventionGenetics, part of Exact Sciences
Classification: Likely benign for SMARCD2-related condition. Last evaluated: 2019-06-06. Review status: no assertion criteria provided. Collection method: clinical testing. Allele origin: germline. Not counted in ClinVar's aggregate classification.
Comment: This variant is classified as likely benign based on ACMG/AMP sequence variant interpretation guidelines (Richards et al. 2015 PMID: 25741868, with internal and published modifications).